The following is an entry in ClinVar:

ClinVar aggregate classification (germline): Pathogenic (1 of 4 stars; one submission).

Conditions:
Neurodevelopmental disorder with nonspecific brain abnormalities and with or without seizures. Identifiers: MedGen C5231470, MONDO:0032877, OMIM 618709.

Submission:

Molecular Genetics Laboratory, Motol Hospital
Classification: Pathogenic for Neurodevelopmental disorder with nonspecific brain abnormalities and with or without seizures. Last evaluated: 2024-12-06. Review status: criteria provided, single submitter. Criteria: ACMG Guidelines, 2015. Collection method: clinical testing. Allele origin: de novo. Affected: yes. Observed: 1 variant allele.
Comment: The variant was confirmed to be of a de novo origin. Rare truncating variants affecting the DLL1 gene are documented as a molecular cause of "neurodevelopmental disorder with nonspecific brain abnormalities and with or without seizures" (NEDBAS, OMIM:618709) (PMID:31353024;31275352;36590296). To conclude, the variant is classified as pathogenic (ACMG PVS1, PM2, PS2).

Literature cited by the submitters: PubMed 31353024; PubMed 31275352; PubMed 36590296.

NM_005618.4(DLL1):c.181del (p.Arg61fs)

Gene: DLL1 (delta like canonical Notch ligand 1; minus strand). Cytogenetic location: 6q27.
Variant type: Deletion.
Coding change: c.181del on transcript NM_005618.4 (MANE Select); coding-DNA position 181, one base deleted (C; older notation c.181delC).
Protein change: p.Arg61fs; shifts the reading frame from arginine 61.
Molecular consequence: frameshift variant.
Genome position (GRCh38, 1-based): chr6:170,289,682, G deleted on the plus strand (C on the coding strand, the reverse complement: DLL1 is on the minus strand); the first of 2 consecutive G bases (chr6:170,289,682-170,289,683); deleting either gives the same sequence. VCF-style (leftmost placement, unchanged base first): chr6-170289681-CG-C. GRCh37 (hg19) VCF-style: chr6-170598769-CG-C.
Other names: short protein forms R61fs.
Identifiers: ClinVar variation 3383967 (VCV003383967.2).